The following is an entry in ClinVar:

ClinVar aggregate classification (germline): Uncertain significance (1 of 4 stars; one submission).

Submission:

Labcorp Genetics (formerly Invitae), Labcorp
Classification: Uncertain significance. Last evaluated: 2020-10-20. Review status: criteria provided, single submitter. Criteria: Invitae Variant Classification Sherloc (09022015). Collection method: clinical testing. Allele origin: germline.
Comment: A copy number gain of the genomic region encompassing the full coding sequence of the C17orf62 gene has been identified. The boundaries of this event are unknown as they extend beyond the assayed region for this gene and therefore may encompass additional genes. As the precise location of this event is unknown, it may be in tandem or it may be located elsewhere in the genome. This variant has not been reported in the literature in individuals with C17orf62-related conditions. In summary, the available evidence is currently insufficient to determine the role of this variant in disease. Therefore, it has been classified as a Variant of Uncertain Significance.

NC_000017.10:g.(?_80401880)_(80407130_?)dup

Gene: CYBC1 (cytochrome b-245 chaperone 1; minus strand). Cytogenetic location: 17q25.3.
Variant type: Duplication.
Identifiers: ClinVar variation 1060961 (VCV001060961.1).